The following is an entry in ClinVar:

ClinVar aggregate classification (germline): Uncertain significance. Review status: criteria provided, multiple submitters, no conflicts (2 of 4 stars). 2 submissions from 2 submitters: Uncertain significance (2). Last evaluated 2025-08-10.

Conditions:
Ectodermal dysplasia 10A, hypohidrotic/hair/nail type, autosomal dominant (ECTD10A). Also called: Ectodermal Dysplasia 3, Anhidrotic. Identifiers: Orphanet 1810, Orphanet 238468, MedGen C3888065, MONDO:0007509, OMIM 129490.
Autosomal recessive hypohidrotic ectodermal dysplasia syndrome. Also called: Autosomal recessive hypohidrotic ectodermal dysplasia. Identifiers: Orphanet 248, MedGen C0406702, MONDO:0016619.
Inborn genetic diseases. Identifiers: MedGen C0950123, MeSH D030342.

Allele frequency attached by ClinVar (database versions not stated): ESP Exome Variant Server 0.00008; gnomAD 0.00011; TOPMed 0.00011; 1000 Genomes Project 0.00020; 1000 Genomes Project 30x 0.00031.
gnomAD v4.1: 29 of 1,614,068 alleles (0.0018%); highest among the groups gnomAD compares: African/African-American, 0.025%; no homozygotes.

Submissions (2):

Ambry Genetics
Classification: Uncertain significance for Inborn genetic diseases. Last evaluated: 2025-08-10. Review status: criteria provided, single submitter. Criteria: Ambry Variant Classification Scheme 2023. Collection method: clinical testing. Allele origin: germline.

Labcorp Genetics (formerly Invitae), Labcorp
Classification: Uncertain significance for Ectodermal dysplasia 10A, hypohidrotic/hair/nail type, autosomal dominant; Autosomal recessive hypohidrotic ectodermal dysplasia syndrome. Last evaluated: 2024-10-18. Review status: criteria provided, single submitter. Criteria: Invitae Variant Classification Sherloc (09022015). Collection method: clinical testing. Allele origin: germline.
Comment: This sequence change replaces threonine, which is neutral and polar, with lysine, which is basic and polar, at codon 41 of the EDAR protein (p.Thr41Lys). This variant is present in population databases (rs368553609, gnomAD 0.03%). This variant has not been reported in the literature in individuals affected with EDAR-related conditions. ClinVar contains an entry for this variant (Variation ID: 658733). Invitae Evidence Modeling of protein sequence and biophysical properties (such as structural, functional, and spatial information, amino acid conservation, physicochemical variation, residue mobility, and thermodynamic stability) has been performed for this missense variant. However, the output from this modeling did not meet the statistical confidence thresholds required to predict the impact of this variant on EDAR protein function. In summary, the available evidence is currently insufficient to determine the role of this variant in disease. Therefore, it has been classified as a Variant of Uncertain Significance.

NM_022336.4(EDAR):c.122C>A (p.Thr41Lys)

Genes: EDAR (ectodysplasin A receptor; minus strand), RANBP2 (RAN binding protein 2; plus strand). Cytogenetic location: 2q13.
Variant type: single nucleotide variant.
Coding change: c.122C>A on transcript NM_022336.4 (MANE Select); coding-DNA position 122, C replaced by A.
Protein change: p.Thr41Lys; replaces threonine 41 with lysine.
Molecular consequence: missense variant.
Genome position (GRCh38, 1-based): chr2:108,930,172, G>T on the plus strand (C>A on the coding strand, the complement: EDAR is on the minus strand). VCF-style: chr2-108930172-G-T. GRCh37 (hg19) VCF-style: chr2-109546628-G-T.
Other names: short protein forms T41K.
Identifiers: ClinVar variation 658733 (VCV000658733.12), dbSNP rs368553609, ClinGen allele CA1825206.